The following is an entry in ClinVar:

ClinVar aggregate classification (germline): Uncertain significance (1 of 4 stars; one submission).

Conditions:
Intellectual developmental disorder, X-linked, syndromic, Hedera type. Also called: Syndromic X-linked intellectual disability Hedera type. Identifiers: Orphanet 93952, MedGen C1845543, MONDO:0010319, OMIM 300423.

Submission:

Labcorp Genetics (formerly Invitae), Labcorp
Classification: Uncertain significance for Intellectual developmental disorder, X-linked, syndromic, Hedera type. Last evaluated: 2024-09-11. Review status: criteria provided, single submitter. Criteria: Invitae Variant Classification Sherloc (09022015). Collection method: clinical testing. Allele origin: germline.
Comment: This sequence change replaces proline, which is neutral and non-polar, with serine, which is neutral and polar, at codon 43 of the ATP6AP2 protein (p.Pro43Ser). This variant is not present in population databases (gnomAD no frequency). This variant has not been reported in the literature in individuals affected with ATP6AP2-related conditions. Invitae Evidence Modeling of protein sequence and biophysical properties (such as structural, functional, and spatial information, amino acid conservation, physicochemical variation, residue mobility, and thermodynamic stability) indicates that this missense variant is not expected to disrupt ATP6AP2 protein function with a negative predictive value of 80%. In summary, the available evidence is currently insufficient to determine the role of this variant in disease. Therefore, it has been classified as a Variant of Uncertain Significance.

NM_005765.3(ATP6AP2):c.127C>T (p.Pro43Ser)

Gene: ATP6AP2 (ATPase H+ transporting accessory protein 2; plus strand). Cytogenetic location: Xp11.4.
Variant type: single nucleotide variant.
Coding change: c.127C>T on transcript NM_005765.3 (MANE Select); coding-DNA position 127, C replaced by T.
Protein change: p.Pro43Ser; replaces proline 43 with serine.
Molecular consequence: missense variant.
Genome position (GRCh38, 1-based): chrX:40,589,075, C>T. VCF-style: chrX-40589075-C-T. GRCh37 (hg19) VCF-style: chrX-40448327-C-T.
Other names: short protein forms P43S.
Identifiers: ClinVar variation 2860889 (VCV002860889.3), dbSNP rs11553346, ClinGen allele CA412752636.
Genomic context (GRCh38, chrX:40,589,075, plus strand): 5'-AAATCACCAGGGTCTGTTGTTTTCCGAAATGGAAATTGGCCTATACCAGGAGAGCGGATC[C>T]CAGACGTGGCTGCATTGTCCATGGGCTTCTCTGTGAAAGAAGTATGTATATATTTTTTAA-3'
Protein context (NP_005756.2, residues 33-53): GNWPIPGERI[Pro43Ser]DVAALSMGFS